The following is an entry in ClinVar:

NM_000143.4(FH):c.710A>G (p.Gln237Arg)

Gene: FH (fumarate hydratase; minus strand). Cytogenetic location: 1q43.
Variant type: single nucleotide variant.
Coding change: c.710A>G on transcript NM_000143.4 (MANE Select); coding-DNA position 710, A replaced by G.
Protein change: p.Gln237Arg; replaces glutamine 237 with arginine.
Molecular consequence: missense variant.
Genome position (GRCh38, 1-based): chr1:241,508,631, T>C on the plus strand (A>G on the coding strand, the complement: FH is on the minus strand). VCF-style: chr1-241508631-T-C. GRCh37 (hg19) VCF-style: chr1-241671931-T-C.
Other names: short protein forms Q237R.
Identifiers: ClinVar variation 1757205 (VCV001757205.6), dbSNP rs2527327105, ClinGen allele CA345439200.

ClinVar aggregate classification (germline): Uncertain significance. Review status: criteria provided, multiple submitters, no conflicts (2 of 4 stars). 2 submissions from 2 submitters: Uncertain significance (2). Last evaluated 2026-03-05.

Conditions:
Hereditary cancer-predisposing syndrome. Also called: Tumor predisposition; Hereditary Cancer Syndrome; Hereditary neoplastic syndrome; Neoplastic Syndromes, Hereditary. Identifiers: Orphanet 140162, MedGen C0027672, MeSH D009386, MONDO:0015356.

Allele frequency attached by ClinVar (database versions not stated): gnomAD exomes below 0.00001.
gnomAD v4.1: 6 of 1,613,908 alleles (0.00037%); highest among the groups gnomAD compares: Non-Finnish European, 0.00051%; no homozygotes.

Submissions (2):

Ambry Genetics
Classification: Uncertain significance for Hereditary cancer-predisposing syndrome. Last evaluated: 2026-03-05. Review status: criteria provided, single submitter. Criteria: Ambry Variant Classification Scheme 2023. Collection method: clinical testing. Allele origin: germline.
Comment: The p.Q237R variant (also known as c.710A>G), located in coding exon 5 of the FH gene, results from an A to G substitution at nucleotide position 710. The glutamine at codon 237 is replaced by arginine, an amino acid with highly similar properties. This amino acid position is highly conserved in available vertebrate species. In addition, this alteration is predicted to be deleterious by in silico analysis. Based on the available evidence, the clinical significance of this variant remains unclear.

Labcorp Genetics (formerly Invitae), Labcorp
Classification: Uncertain significance. Last evaluated: 2023-09-14. Review status: criteria provided, single submitter. Criteria: Invitae Variant Classification Sherloc (09022015). Collection method: clinical testing. Allele origin: germline.
Comment: In summary, the available evidence is currently insufficient to determine the role of this variant in disease. Therefore, it has been classified as a Variant of Uncertain Significance. Advanced modeling of protein sequence and biophysical properties (such as structural, functional, and spatial information, amino acid conservation, physicochemical variation, residue mobility, and thermodynamic stability) performed at Invitae indicates that this missense variant is expected to disrupt FH protein function. ClinVar contains an entry for this variant (Variation ID: 1757205). This variant has not been reported in the literature in individuals affected with FH-related conditions. This variant is not present in population databases (gnomAD no frequency). This sequence change replaces glutamine, which is neutral and polar, with arginine, which is basic and polar, at codon 237 of the FH protein (p.Gln237Arg).